The following is an entry in ClinVar:

ClinVar aggregate classification (germline): Uncertain significance (1 of 4 stars; one submission).

Submission:

GeneDx
Classification: Uncertain significance. Last evaluated: 2024-08-01. Review status: criteria provided, single submitter. Criteria: GeneDx Variant Classification Process June 2021. Collection method: clinical testing. Allele origin: germline. Affected: yes.
Comment: Not observed at significant frequency in large population cohorts (gnomAD); In silico analysis supports that this missense variant has a deleterious effect on protein structure/function; Has not been previously published as pathogenic or benign to our knowledge

NM_002430.3(MN1):c.1906C>T (p.His636Tyr)

Gene: MN1 (MN1 proto-oncogene, transcriptional regulator; minus strand). Cytogenetic location: 22q12.1.
Variant type: single nucleotide variant.
Coding change: c.1906C>T on transcript NM_002430.3 (MANE Select); coding-DNA position 1906, C replaced by T.
Protein change: p.His636Tyr; replaces histidine 636 with tyrosine.
Molecular consequence: missense variant.
Genome position (GRCh38, 1-based): chr22:27,798,638, G>A on the plus strand (C>T on the coding strand, the complement: MN1 is on the minus strand). VCF-style: chr22-27798638-G-A. GRCh37 (hg19) VCF-style: chr22-28194626-G-A.
Other names: short protein forms H636Y.
Identifiers: ClinVar variation 3602490 (VCV003602490.1).